The following is an entry in ClinVar:

ClinVar aggregate classification (germline): Pathogenic (1 of 4 stars; one submission).

Submission:

Labcorp Genetics (formerly Invitae), Labcorp
Classification: Pathogenic. Last evaluated: 2024-08-13. Review status: criteria provided, single submitter. Criteria: Invitae Variant Classification Sherloc (09022015). Collection method: clinical testing. Allele origin: germline.
Comment: This sequence change replaces glycine, which is neutral and non-polar, with glutamic acid, which is acidic and polar, at codon 583 of the TNFAIP3 protein (p.Gly583Glu). This variant is not present in population databases (gnomAD no frequency). This missense change has been observed in individual(s) with clinical features of TNFAIP3-related conditions (Invitae). It has also been observed to segregate with disease in related individuals. ClinVar contains an entry for this variant (Variation ID: 1365070). Invitae Evidence Modeling of protein sequence and biophysical properties (such as structural, functional, and spatial information, amino acid conservation, physicochemical variation, residue mobility, and thermodynamic stability) indicates that this missense variant is not expected to disrupt TNFAIP3 protein function with a negative predictive value of 80%. For these reasons, this variant has been classified as Pathogenic.

NM_001270508.2(TNFAIP3):c.1748G>A (p.Gly583Glu)

Gene: TNFAIP3 (TNF alpha induced protein 3; plus strand). Cytogenetic location: 6q23.3.
Variant type: single nucleotide variant.
Coding change: c.1748G>A on transcript NM_001270508.2 (MANE Select); coding-DNA position 1748, G replaced by A.
Protein change: p.Gly583Glu; replaces glycine 583 with glutamic acid.
Molecular consequence: missense variant.
Genome position (GRCh38, 1-based): chr6:137,879,193, G>A. VCF-style: chr6-137879193-G-A. GRCh37 (hg19) VCF-style: chr6-138200330-G-A.
Other names: c.1748G>A, p.Gly583Glu (NM_001270507.2, NM_006290.4); short protein forms G583E.
Identifiers: ClinVar variation 1365070 (VCV001365070.8), dbSNP rs2114504766, ClinGen allele CA365793395.
Genomic context (GRCh38, chr6:137,879,193, plus strand): 5'-CCAAGTCAGATCCCTCGCGGCTCGTCCGGAGCCCCTCCCCGCATTCTTGCCACAGAGCTG[G>A]AAACGACGCCCCTGCTGGCTGCCTGTCTCAAGCTGCACGGACTCCTGGGGACAGGACGGG-3'
Protein context (NP_001257437.1, residues 573-593): SPSPHSCHRA[Gly583Glu]NDAPAGCLSQ